The following is an entry in ClinVar:

NM_001848.3(COL6A1):c.2191C>T (p.Arg731Cys)

Gene: COL6A1 (collagen type VI alpha 1 chain; plus strand). Cytogenetic location: 21q22.3.
Variant type: single nucleotide variant.
Coding change: c.2191C>T on transcript NM_001848.3 (MANE Select); coding-DNA position 2191, C replaced by T.
Protein change: p.Arg731Cys; replaces arginine 731 with cysteine.
Molecular consequence: missense variant.
Genome position (GRCh38, 1-based): chr21:46,002,342, C>T. VCF-style: chr21-46002342-C-T. GRCh37 (hg19) VCF-style: chr21-47422256-C-T.
Identifiers: ClinVar variation 93849 (VCV000093849.19), dbSNP rs398123635, ClinGen allele CA221767.
Genomic context (GRCh38, chr21:46,002,342, plus strand): 5'-CGGGACCAGCTGCTGCCGCCCAGCCCGAACAACCGCATCGCCCTGGTCATCACTGACGGG[C>T]GCTCAGACACTCAGAGGGACACCACACCGCTCAACGTGCTCTGCAGCCCCGGCATCCAGG-3'
Protein context (NP_001839.2, residues 721-741): NRIALVITDG[Arg731Cys]SDTQRDTTPL

ClinVar aggregate classification (germline): Conflicting classifications of pathogenicity. Review status: criteria provided, conflicting classifications (1 of 4 stars). 5 submissions from 5 submitters: Uncertain significance (2); Likely benign (2). 1 of the submissions does not count toward it. Last evaluated 2025-11-05.

Conditions:
COL6A1-related disorder. Also called: COL6A1-related condition.
Bethlem myopathy 1A. Also called: Bethlem myopathy 1; Bethlem Muscular Dystrophy; MYOPATHY, BENIGN CONGENITAL, WITH CONTRACTURES. Identifiers: Orphanet 610, MedGen CN029274, MONDO:0024530, OMIM 158810.
Collagen 6-related myopathy. Identifiers: MedGen CN117976, MONDO:0100225.

Allele frequency attached by ClinVar (database versions not stated): gnomAD exomes 0.00004; TOPMed 0.00004; gnomAD 0.00006 and 0.00005; ExAC 0.00006.
gnomAD v4.1: 145 of 1,590,918 alleles (0.0091%); highest among the groups gnomAD compares: Middle Eastern, 0.033%; no homozygotes.

Submissions (5):

Women's Health and Genetics/Laboratory Corporation of America, LabCorp
Classification: Uncertain significance. Last evaluated: 2025-11-05. Review status: criteria provided, single submitter. Criteria: LabCorp Variant Classification Summary - May 2015. Collection method: clinical testing. Allele origin: germline.
Comment: Variant summary: COL6A1 c.2191C>T (p.Arg731Cys) results in a non-conservative amino acid change in the encoded protein sequence. Algorithms developed to predict the effect of missense changes on protein structure and function all suggest that this variant is likely to be disruptive. The variant allele was found at a frequency of 3.9e-05 in 204676 control chromosomes. The available data on variant occurrences in the general population are insufficient to allow any conclusion about variant significance. To our knowledge, no occurrence of c.2191C>T in individuals affected with COL6A1-related conditions and no experimental evidence demonstrating its impact on protein function have been reported. ClinVar contains an entry for this variant (Variation ID: 93849). Based on the evidence outlined above, the variant was classified as uncertain significance.

Labcorp Genetics (formerly Invitae), Labcorp
Classification: Likely benign for Bethlem myopathy 1A. Last evaluated: 2025-01-27. Review status: criteria provided, single submitter. Criteria: Invitae Variant Classification Sherloc (09022015). Collection method: clinical testing. Allele origin: germline.

Eurofins Ntd Llc (ga)
Classification: Uncertain significance. Last evaluated: 2018-05-14. Review status: criteria provided, single submitter. Criteria: EGL ClinVar v180209 classification definitions. Collection method: clinical testing. Allele origin: germline. Observed: 2 variant alleles, 2 heterozygotes.

Illumina Laboratory Services, Illumina
Classification: Likely benign for Collagen VI-related myopathy. Last evaluated: 2018-01-12. Review status: criteria provided, single submitter. Criteria: ICSL Variant Classification Criteria 13 December 2019. Collection method: clinical testing. Allele origin: germline.
Comment: This variant was observed in the ICSL laboratory as part of a predisposition screen in an ostensibly healthy population. It had not been previously curated by ICSL or reported in the Human Gene Mutation Database (HGMD: prior to June 1st, 2018), and was therefore a candidate for classification through an automated scoring system. Utilizing variant allele frequency, disease prevalence and penetrance estimates, and inheritance mode, an automated score was calculated to assess if this variant is too frequent to cause the disease. Based on the score and internal cut-off values, a variant classified as likely benign is not then subjected to further curation. The score for this variant resulted in a classification of likely benign for this disease.

PreventionGenetics, part of Exact Sciences
Classification: Uncertain significance for COL6A1-related condition. Last evaluated: 2024-06-04. Review status: no assertion criteria provided. Collection method: clinical testing. Allele origin: germline. Not counted in ClinVar's aggregate classification.
Comment: The COL6A1 c.2191C>T variant is predicted to result in the amino acid substitution p.Arg731Cys. To our knowledge, this variant has not been reported in the literature. This variant is reported in 0.024% of alleles in individuals of African descent in gnomAD and has conflicting interpretations in ClinVar ranging from likely benign to uncertain. At this time, the clinical significance of this variant is uncertain due to the absence of conclusive functional and genetic evidence.